The following is an entry in ClinVar:

ClinVar aggregate classification (germline): Benign/Likely benign. Review status: criteria provided, multiple submitters, no conflicts (2 of 4 stars). 3 submissions from 3 submitters: Benign (1); Likely benign (1). 1 of the submissions does not count toward it. Last evaluated 2025-10-13.

Conditions:
Rubinstein-Taybi syndrome due to EP300 haploinsufficiency. Also called: EP300-Related Rubinstein-Taybi Syndrome; RUBINSTEIN-TAYBI SYNDROME 2. Identifiers: Orphanet 353284, Orphanet 783, MedGen C3150941, MONDO:0013364, OMIM 613684.
EP300-related disorder. Also called: EP300-related condition; EP300-related disorders.
Inborn genetic diseases. Identifiers: MedGen C0950123, MeSH D030342.

Allele frequency attached by ClinVar (database versions not stated): gnomAD 0.00004; TOPMed 0.00008; gnomAD exomes 0.00001.
gnomAD v4.1: 14 of 1,614,096 alleles (0.00087%); highest among the groups gnomAD compares: African/African-American, 0.015%; no homozygotes.

Submissions (3):

Labcorp Genetics (formerly Invitae), Labcorp
Classification: Benign for Rubinstein-Taybi syndrome due to EP300 haploinsufficiency. Last evaluated: 2025-10-13. Review status: criteria provided, single submitter. Criteria: Invitae Variant Classification Sherloc (09022015). Collection method: clinical testing. Allele origin: germline.

Ambry Genetics
Classification: Likely benign for Inborn genetic diseases. Last evaluated: 2024-11-29. Review status: criteria provided, single submitter. Criteria: Ambry Variant Classification Scheme 2023. Collection method: clinical testing. Allele origin: germline.

PreventionGenetics, part of Exact Sciences
Classification: Uncertain significance for EP300-related condition. Last evaluated: 2024-05-02. Review status: no assertion criteria provided. Collection method: clinical testing. Allele origin: germline. Not counted in ClinVar's aggregate classification.
Comment: The EP300 c.955G>A variant is predicted to result in the amino acid substitution p.Val319Ile. To our knowledge, this variant has not been reported in the literature in individuals with EP300-related disorders. This variant is reported in 0.023% of alleles in individuals of African descent in gnomAD. Although we suspect that this variant may be benign, at this time, the clinical significance of this variant is uncertain due to the absence of conclusive functional and genetic evidence.

NM_001429.4(EP300):c.955G>A (p.Val319Ile)

Gene: EP300 (EP300 lysine acetyltransferase; plus strand). Cytogenetic location: 22q13.2.
Variant type: single nucleotide variant.
Coding change: c.955G>A on transcript NM_001429.4 (MANE Select); coding-DNA position 955, G replaced by A.
Protein change: p.Val319Ile; replaces valine 319 with isoleucine.
Molecular consequence: missense variant.
Genome position (GRCh38, 1-based): chr22:41,127,535, G>A. VCF-style: chr22-41127535-G-A. GRCh37 (hg19) VCF-style: chr22-41523539-G-A.
Other names: c.955G>A (NM_001429.3); c.955G>A, p.Val319Ile (NM_001362843.2); short protein forms V319I.
Identifiers: ClinVar variation 2914089 (VCV002914089.5), dbSNP rs766329658, ClinGen allele CA324517860.